The following is an entry in ClinVar:

ClinVar aggregate classification (germline): Uncertain significance. Review status: criteria provided, single submitter (1 of 4 stars). 2 submissions from 2 submitters: Uncertain significance (1). 1 of the submissions does not count toward it. Last evaluated 2017-07-01.

Conditions:
BSN-related disorder. Also called: BSN-related condition.

Allele frequency attached by ClinVar (database versions not stated): 1000 Genomes Project 30x 0.00125; 1000 Genomes Project 0.00140; TOPMed 0.00191; ESP Exome Variant Server 0.00224; gnomAD 0.00224 and 0.00235; gnomAD exomes 0.00232 and 0.00267; ExAC 0.00347.
gnomAD v4.1: 4,104 of 1,568,914 alleles (0.26%); highest among the groups gnomAD compares: Non-Finnish European, 0.3%; 12 homozygotes.

Submissions (2):

CeGaT Center for Human Genetics Tuebingen
Classification: Uncertain significance. Last evaluated: 2017-07-01. Review status: criteria provided, single submitter. Criteria: CeGaT Center For Human Genetics Tuebingen Variant Classification Criteria Version 2. Collection method: clinical testing. Allele origin: germline. Affected: yes. Observed: 1 variant allele.

PreventionGenetics, part of Exact Sciences
Classification: Likely benign for BSN-related condition. Last evaluated: 2019-05-13. Review status: no assertion criteria provided. Collection method: clinical testing. Allele origin: germline. Not counted in ClinVar's aggregate classification.
Comment: This variant is classified as likely benign based on ACMG/AMP sequence variant interpretation guidelines (Richards et al. 2015 PMID: 25741868, with internal and published modifications).

NM_003458.4(BSN):c.863C>T (p.Pro288Leu)

Gene: BSN (bassoon presynaptic cytomatrix protein; plus strand). Cytogenetic location: 3p21.31.
Variant type: single nucleotide variant.
Coding change: c.863C>T on transcript NM_003458.4 (MANE Select); coding-DNA position 863, C replaced by T.
Protein change: p.Pro288Leu; replaces proline 288 with leucine.
Molecular consequence: missense variant.
Genome position (GRCh38, 1-based): chr3:49,642,497, C>T. VCF-style: chr3-49642497-C-T. GRCh37 (hg19) VCF-style: chr3-49679930-C-T.
Other names: c.863C>T (NM_003458.3); short protein forms P288L.
Identifiers: ClinVar variation 493359 (VCV000493359.44), dbSNP rs200890584, ClinGen allele CA2399483.
Genomic context (GRCh38, chr3:49,642,497, plus strand): 5'-GCCCAGGAGGACCACAGCCTGGGTCCCGCCAGGCTGAGACAGCCAGGGCCACCTCAGTGC[C>T]GGGGCCTGCCCAAGCAGCTGCCCCTCCAGAGGTGGGGAGGGTGTCTCCTCAGCCCCCTCA-3'
Protein context (NP_003449.2, residues 278-298): QAETARATSV[Pro288Leu]GPAQAAAPPE